The following is an entry in ClinVar:

NM_181703.4(GJA5):c.923C>G (p.Pro308Arg)

Gene: GJA5 (gap junction protein alpha 5; minus strand). Cytogenetic location: 1q21.2.
Variant type: single nucleotide variant.
Coding change: c.923C>G on transcript NM_181703.4 (MANE Select); coding-DNA position 923, C replaced by G.
Protein change: p.Pro308Arg; replaces proline 308 with arginine.
Molecular consequence: missense variant.
Genome position (GRCh38, 1-based): chr1:147,758,316, G>C on the plus strand (C>G on the coding strand, the complement: GJA5 is on the minus strand). VCF-style: chr1-147758316-G-C. GRCh37 (hg19) VCF-style: chr1-147230424-G-C.
Other names: c.923C>G, p.Pro308Arg (NM_005266.7); short protein forms P308R.
Identifiers: ClinVar variation 2927568 (VCV002927568.3), dbSNP rs2524608292, ClinGen allele CA342394009.

ClinVar aggregate classification (germline): Uncertain significance (1 of 4 stars; one submission).

Conditions:
Atrial standstill 1 (ATRST1). Also called: ATRIAL CARDIOMYOPATHY WITH HEART BLOCK; CARDIOMYOPATHY, FAMILIAL, WITH CONDUCTION DISTURBANCE; Atrial standstill, digenic (GJA5/SCN5A). Identifiers: Orphanet 1344, MedGen C4551959, MONDO:0007171, OMIM 108770.
Atrial fibrillation, familial, 11 (ATFB11). Identifiers: MedGen C3279693, MONDO:0013544, OMIM 614049.

Submission:

Labcorp Genetics (formerly Invitae), Labcorp
Classification: Uncertain significance for Atrial fibrillation, familial, 11; Atrial standstill 1. Last evaluated: 2023-10-20. Review status: criteria provided, single submitter. Criteria: Invitae Variant Classification Sherloc (09022015). Collection method: clinical testing. Allele origin: germline.
Comment: This sequence change replaces proline, which is neutral and non-polar, with arginine, which is basic and polar, at codon 308 of the GJA5 protein (p.Pro308Arg). This variant is not present in population databases (gnomAD no frequency). This variant has not been reported in the literature in individuals affected with GJA5-related conditions. An algorithm developed to predict the effect of missense changes on protein structure and function (PolyPhen-2) suggests that this variant is likely to be tolerated. In summary, the available evidence is currently insufficient to determine the role of this variant in disease. Therefore, it has been classified as a Variant of Uncertain Significance.